The following is an entry in ClinVar:

ClinVar aggregate classification (germline): Likely pathogenic (1 of 4 stars; one submission).

Submission:

Mayo Clinic Laboratories, Mayo Clinic
Classification: Likely pathogenic. Last evaluated: 2024-03-22. Review status: criteria provided, single submitter. Criteria: ACMG Guidelines, 2015. Collection method: clinical testing. Allele origin: germline. Observed: 1 variant allele.
Comment: PM2, PVS1

NM_001198800.3(ASCC1):c.766C>T (p.Arg256Ter)

Gene: ASCC1 (activating signal cointegrator 1 complex subunit 1; minus strand). Cytogenetic location: 10q22.1.
Variant type: single nucleotide variant.
Coding change: c.766C>T on transcript NM_001198800.3 (MANE Select); coding-DNA position 766, C replaced by T.
Protein change: p.Arg256Ter; replaces arginine 256 with a stop codon.
Molecular consequence: nonsense. On other transcripts: non-coding transcript variant (1).
Genome position (GRCh38, 1-based): chr10:72,133,162, G>A on the plus strand (C>T on the coding strand, the complement: ASCC1 is on the minus strand). VCF-style: chr10-72133162-G-A. GRCh37 (hg19) VCF-style: chr10-73892920-G-A.
Other names: p.Arg256*; c.766C>T, p.Arg256Ter (NM_001198798.2, NM_001369087.1, NM_001369088.1 and 12 more transcripts); c.850C>T, p.Arg284Ter (NM_001198799.3); c.832C>T, p.Arg278Ter (NM_001369085.1, NM_001369086.1); c.712C>T, p.Arg238Ter (NM_001369099.1); c.646C>T, p.Arg216Ter (NM_001369100.1, NM_001369103.1, NM_001369104.1 and 3 more transcripts); c.649C>T, p.Arg217Ter (NM_001369101.1, NM_001369102.1, NM_001369105.1 and 2 more transcripts); short protein forms R216*, R217*, R238*, R256*, R278*, R284*.
Identifiers: ClinVar variation 3381061 (VCV003381061.1).